The following is an entry in ClinVar:

NM_020975.6(RET):c.1540G>A (p.Gly514Ser)

Gene: RET (ret proto-oncogene; plus strand). Cytogenetic location: 10q11.21.
Variant type: single nucleotide variant.
Coding change: c.1540G>A on transcript NM_020975.6 (MANE Select); coding-DNA position 1540, G replaced by A.
Protein change: p.Gly514Ser; replaces glycine 514 with serine.
Molecular consequence: missense variant.
Genome position (GRCh38, 1-based): chr10:43,112,116, G>A. VCF-style: chr10-43112116-G-A. GRCh37 (hg19) VCF-style: chr10-43607564-G-A.
Other names: c.1540G>A, p.Gly514Ser (NM_000323.2, NM_001406743.1, NM_001406744.1 and 6 more transcripts); c.778G>A, p.Gly260Ser (NM_001355216.2); c.1411G>A, p.Gly471Ser (NM_001406761.1, NM_001406762.1, NM_001406764.1 and 1 more transcripts); c.1252G>A, p.Gly418Ser (NM_001406766.1, NM_001406767.1, NM_001406770.1); c.1144G>A, p.Gly382Ser (NM_001406769.1, NM_001406772.1); c.1102G>A, p.Gly368Ser (NM_001406771.1, NM_001406773.1); c.1015G>A, p.Gly339Ser (NM_001406774.1); c.814G>A, p.Gly272Ser (NM_001406775.1, NM_001406776.1, NM_001406777.1 and 1 more transcripts); and 5 more; short protein forms G272S, G514S, G31S, G418S, G471S, G119S, G184S, G215S.
Identifiers: ClinVar variation 1774846 (VCV001774846.7), dbSNP rs2132796462, ClinGen allele CA376550256.

ClinVar aggregate classification (germline): Uncertain significance. Review status: criteria provided, multiple submitters, no conflicts (2 of 4 stars). 2 submissions from 2 submitters: Uncertain significance (2). Last evaluated 2022-09-21.

Conditions:
Hereditary cancer-predisposing syndrome. Also called: Hereditary Cancer Syndrome; Hereditary neoplastic syndrome; Neoplastic Syndromes, Hereditary; Tumor predisposition. Identifiers: Orphanet 140162, MedGen C0027672, MeSH D009386, MONDO:0015356.
Multiple endocrine neoplasia, type 2 (MEN2). Identifiers: Orphanet 653, MedGen C4048306, MONDO:0019003. Disease mechanism: gain of function.

Submissions (2):

Labcorp Genetics (formerly Invitae), Labcorp
Classification: Uncertain significance for Multiple endocrine neoplasia, type 2. Last evaluated: 2022-09-21. Review status: criteria provided, single submitter. Criteria: Invitae Variant Classification Sherloc (09022015). Collection method: clinical testing. Allele origin: germline.
Comment: In summary, the available evidence is currently insufficient to determine the role of this variant in disease. Therefore, it has been classified as a Variant of Uncertain Significance. Algorithms developed to predict the effect of missense changes on protein structure and function (SIFT, PolyPhen-2, Align-GVGD) all suggest that this variant is likely to be tolerated. This variant has not been reported in the literature in individuals affected with RET-related conditions. This variant is not present in population databases (gnomAD no frequency). This sequence change replaces glycine, which is neutral and non-polar, with serine, which is neutral and polar, at codon 514 of the RET protein (p.Gly514Ser).

Ambry Genetics
Classification: Uncertain significance for Hereditary cancer-predisposing syndrome. Last evaluated: 2022-03-25. Review status: criteria provided, single submitter. Criteria: Ambry Variant Classification Scheme 2023. Collection method: clinical testing. Allele origin: germline.
Comment: The p.G514S variant (also known as c.1540G>A), located in coding exon 8 of the RET gene, results from a G to A substitution at nucleotide position 1540. The glycine at codon 514 is replaced by serine, an amino acid with similar properties. This amino acid position is conserved. In addition, the in silico prediction for this alteration is inconclusive. Since supporting evidence is limited at this time, the clinical significance of this alteration remains unclear.